The following is an entry in ClinVar:

NM_000051.4(ATM):c.5178-296A>G

Gene: ATM (ATM serine/threonine kinase; plus strand). Cytogenetic location: 11q22.3.
Variant type: single nucleotide variant.
Coding change: c.5178-296A>G on transcript NM_000051.4 (MANE Select); 296 bases into the intron before coding-DNA position 5178, A replaced by G.
Molecular consequence: intron variant.
Genome position (GRCh38, 1-based): chr11:108,301,352, A>G. VCF-style: chr11-108301352-A-G. GRCh37 (hg19) VCF-style: chr11-108172079-A-G.
Other names: c.5178-296A>G (NM_001351834.2).
Identifiers: ClinVar variation 3325980 (VCV003325980.2).

ClinVar aggregate classification (germline): Likely pathogenic (1 of 4 stars; one submission).

Conditions:
Hereditary cancer-predisposing syndrome. Also called: Neoplastic Syndromes, Hereditary; Tumor predisposition; Hereditary neoplastic syndrome; Hereditary Cancer Syndrome. Identifiers: Orphanet 140162, MedGen C0027672, MeSH D009386, MONDO:0015356.

Submission:

Ambry Genetics
Classification: Likely pathogenic for Hereditary cancer-predisposing syndrome. Last evaluated: 2025-07-30. Review status: criteria provided, single submitter. Criteria: Ambry Variant Classification Scheme 2023. Collection method: clinical testing. Allele origin: germline.
Comment: The c.5178-296A>G intronic variant results from an A to G substitution 296 nucleotides upstream from coding exon 34 in the ATM gene. This nucleotide position is not well conserved in available vertebrate species. In silico splice site analysis predicts that this alteration will result in the creation or strengthening of a novel splice donor site. RNA studies have demonstrated that this alteration results in abnormal splicing in the set of samples tested (Ambry internal data). Based on the majority of available evidence to date, this variant is likely to be pathogenic.